The following is an entry in ClinVar:

NM_007217.4(PDCD10):c.491del (p.Lys164fs)

Gene: PDCD10 (programmed cell death 10; minus strand). Cytogenetic location: 3q26.1.
Variant type: Deletion.
Coding change: c.491del on transcript NM_007217.4 (MANE Select); coding-DNA position 491, one base deleted (A; older notation c.491delA).
Protein change: p.Lys164fs; shifts the reading frame from lysine 164.
Molecular consequence: frameshift variant.
Genome position (GRCh38, 1-based): chr3:167,687,300, T deleted on the plus strand (A on the coding strand, the reverse complement: PDCD10 is on the minus strand); the first of 4 consecutive T bases (chr3:167,687,300-167,687,303); deleting any one gives the same sequence. VCF-style (leftmost placement, unchanged base first): chr3-167687299-CT-C. GRCh37 (hg19) VCF-style: chr3-167405087-CT-C.
Other names: c.491del, p.Lys164fs (NM_001439202.1, NM_001439204.1, NM_001439205.1 and 2 more transcripts); short protein forms K164fs.
Identifiers: ClinVar variation 4712454 (VCV004712454.1).

ClinVar aggregate classification (germline): Pathogenic (1 of 4 stars; one submission).

Conditions:
Cerebral cavernous malformation 3. Also called: Familial Cerebral Cavernous Malformation 3. Identifiers: Orphanet 221061, MedGen C1864040, MONDO:0011305, OMIM 603285.

Submission:

Labcorp Genetics (formerly Invitae), Labcorp
Classification: Pathogenic for Cerebral cavernous malformation 3. Last evaluated: 2025-02-06. Review status: criteria provided, single submitter. Criteria: Invitae Variant Classification Sherloc (09022015). Collection method: clinical testing. Allele origin: germline.
Comment: This sequence change creates a premature translational stop signal (p.Lys164Argfs*5) in the PDCD10 gene. It is expected to result in an absent or disrupted protein product. Loss-of-function variants in PDCD10 are known to be pathogenic (PMID: 15543491, 18300272, 23801932). This variant is not present in population databases (gnomAD no frequency). This variant has not been reported in the literature in individuals affected with PDCD10-related conditions. For these reasons, this variant has been classified as Pathogenic.

Literature cited by the submitters: PubMed 15543491; PubMed 18300272; PubMed 23801932.